The following is an entry in ClinVar:

ClinVar aggregate classification (germline): Uncertain significance (1 of 4 stars; one submission).

Submission:

GeneDx
Classification: Uncertain significance. Last evaluated: 2022-12-30. Review status: criteria provided, single submitter. Criteria: GeneDx Variant Classification Process June 2021. Collection method: clinical testing. Allele origin: germline. Affected: yes.
Comment: Not observed at significant frequency in large population cohorts (gnomAD); In silico analysis supports that this variant does not alter splicing; Has not been previously published as pathogenic or benign to our knowledge

NM_002661.5(PLCG2):c.12G>C (p.Thr4=)

Gene: PLCG2 (phospholipase C gamma 2; plus strand). Cytogenetic location: 16q23.3.
Variant type: single nucleotide variant.
Coding change: c.12G>C on transcript NM_002661.5 (MANE Select); coding-DNA position 12, G replaced by C.
Protein change: p.Thr4=; no amino-acid change (threonine 4 retained).
Molecular consequence: synonymous variant.
Genome position (GRCh38, 1-based): chr16:81,786,001, G>C. VCF-style: chr16-81786001-G-C. GRCh37 (hg19) VCF-style: chr16-81819606-G-C.
Identifiers: ClinVar variation 2507079 (VCV002507079.1), dbSNP rs376949064, ClinGen allele CA496701167.